The following is an entry in ClinVar:

NM_024312.5(GNPTAB):c.2300_2303delinsTT (p.Glu767fs)

Gene: GNPTAB (N-acetylglucosamine-1-phosphate transferase subunits alpha and beta; minus strand). Cytogenetic location: 12q23.2.
Variant type: Indel.
Coding change: c.2300_2303delinsTT on transcript NM_024312.5 (MANE Select); coding-DNA positions 2300 to 2303, AAAA replaced by TT.
Protein change: p.Glu767fs; shifts the reading frame from glutamic acid 767.
Molecular consequence: frameshift variant.
Genome position (GRCh38, 1-based): chr12:101,764,614-101,764,617, TTTT replaced by AA on the plus strand (AAAA replaced by TT on the coding strand, the reverse complement: GNPTAB is on the minus strand). VCF-style: chr12-101764614-TTTT-AA. GRCh37 (hg19) VCF-style: chr12-102158392-TTTT-AA.
Other names: short protein forms E767fs.
Identifiers: ClinVar variation 4816142 (VCV004816142.1).

ClinVar aggregate classification (germline): Likely pathogenic (1 of 4 stars; one submission).

Conditions:
Mucolipidosis type II. Also called: ML II ALPHA/BETA; Mucolipidosis 2; ML 2; Inclusion cell disease; Leroy Disease; N-acetylglucosamine 1phosphotransferase deficiency. Identifiers: Orphanet 576, MedGen C2673377, MONDO:0009650, OMIM 252500.

Submission:

Natera, Inc.
Classification: Likely pathogenic for Mucolipidosis type II. Last evaluated: 2024-02-22. Review status: criteria provided, single submitter. Criteria: Natera Variant Classification Schema (03/2026). Collection method: clinical testing. Allele origin: germline.
Comment: The c.2300_2303delAAAAinsTT variant in GNPTAB is a frameshift variant predicted to shift the reading frame beginning at codon 767 and leads to a stop codon 5 codons downstream. This variant is expected to result in nonsense mediated decay, truncation, or a dysfunctional protein product. This variant is rare in the general population with a frequency below the threshold expected for the associated phenotype(s). Given the available evidence, this variant is classified as Likely Pathogenic.